The following is an entry in ClinVar:

ClinVar aggregate classification (germline): Conflicting classifications of pathogenicity. Review status: criteria provided, conflicting classifications (1 of 4 stars). 3 submissions from 3 submitters: Uncertain significance (2); Likely benign (1). Last evaluated 2025-10-10.

Conditions:
Inborn genetic diseases. Identifiers: MedGen C0950123, MeSH D030342.

Allele frequency attached by ClinVar (database versions not stated): gnomAD exomes 0.00005; gnomAD 0.00009; TOPMed 0.00010; ExAC 0.00013.
gnomAD v4.1: 94 of 1,614,072 alleles (0.0058%); highest among the groups gnomAD compares: Admixed American, 0.032%; no homozygotes.

Submissions (3):

GeneDx
Classification: Uncertain significance. Last evaluated: 2025-10-10. Review status: criteria provided, single submitter. Criteria: GeneDx Variant Classification Process June 2021. Collection method: clinical testing. Allele origin: germline.
Comment: In silico analysis suggests that this missense variant does not alter protein structure/function; Has not been previously published as pathogenic or benign to our knowledge

Labcorp Genetics (formerly Invitae), Labcorp
Classification: Uncertain significance. Last evaluated: 2024-01-11. Review status: criteria provided, single submitter. Criteria: Invitae Variant Classification Sherloc (09022015). Collection method: clinical testing. Allele origin: germline.
Comment: This sequence change replaces alanine, which is neutral and non-polar, with valine, which is neutral and non-polar, at codon 300 of the DFNA5 protein (p.Ala300Val). This variant is present in population databases (rs762708893, gnomAD 0.02%). This variant has not been reported in the literature in individuals affected with DFNA5-related conditions. ClinVar contains an entry for this variant (Variation ID: 2189449). Advanced modeling of protein sequence and biophysical properties (such as structural, functional, and spatial information, amino acid conservation, physicochemical variation, residue mobility, and thermodynamic stability) performed at Invitae indicates that this missense variant is not expected to disrupt DFNA5 protein function with a negative predictive value of 80%. In summary, the available evidence is currently insufficient to determine the role of this variant in disease. Therefore, it has been classified as a Variant of Uncertain Significance.

Ambry Genetics
Classification: Likely benign for Inborn genetic diseases. Last evaluated: 2021-11-29. Review status: criteria provided, single submitter. Criteria: Ambry Variant Classification Scheme 2023. Collection method: clinical testing. Allele origin: germline.

NM_001127453.2(GSDME):c.899C>T (p.Ala300Val)

Gene: GSDME (gasdermin E; minus strand). Cytogenetic location: 7p15.3.
Variant type: single nucleotide variant.
Coding change: c.899C>T on transcript NM_001127453.2 (MANE Select); coding-DNA position 899, C replaced by T.
Protein change: p.Ala300Val; replaces alanine 300 with valine.
Molecular consequence: missense variant.
Genome position (GRCh38, 1-based): chr7:24,708,218, G>A on the plus strand (C>T on the coding strand, the complement: GSDME is on the minus strand). VCF-style: chr7-24708218-G-A. GRCh37 (hg19) VCF-style: chr7-24747837-G-A.
Other names: c.407C>T, p.Ala136Val (NM_001127454.2); c.899C>T, p.Ala300Val (NM_004403.3); c.899C>T (NM_004403.2); short protein forms A136V, A300V.
Identifiers: ClinVar variation 2189449 (VCV002189449.7), dbSNP rs762708893, ClinGen allele CA4191511.